The following is an entry in ClinVar:

NM_199420.4(POLQ):c.3518T>C (p.Ile1173Thr)

Gene: POLQ (DNA polymerase theta; minus strand). Cytogenetic location: 3q13.33.
Variant type: single nucleotide variant.
Coding change: c.3518T>C on transcript NM_199420.4 (MANE Select); coding-DNA position 3518, T replaced by C.
Protein change: p.Ile1173Thr; replaces isoleucine 1173 with threonine.
Molecular consequence: missense variant.
Genome position (GRCh38, 1-based): chr3:121,489,413, A>G on the plus strand (T>C on the coding strand, the complement: POLQ is on the minus strand). VCF-style: chr3-121489413-A-G. GRCh37 (hg19) VCF-style: chr3-121208260-A-G.
Other names: short protein forms I1173T.
Identifiers: ClinVar variation 1732225 (VCV001732225.3), dbSNP rs1293232374, ClinGen allele CA354099532.

ClinVar aggregate classification (germline): Uncertain significance (1 of 4 stars; one submission).

Allele frequency attached by ClinVar (database versions not stated): gnomAD exomes 0.00001.
gnomAD v4.1: 8 of 1,613,996 alleles (0.0005%); highest among the groups gnomAD compares: South Asian, 0.0022%; no homozygotes.

Submission:

Ambry Genetics
Classification: Uncertain significance. Last evaluated: 2024-07-08. Review status: criteria provided, single submitter. Criteria: Ambry Variant Classification Scheme 2023. Collection method: clinical testing. Allele origin: germline.
Comment: The p.I1173T variant (also known as c.3518T>C), located in coding exon 16 of the POLQ gene, results from a T to C substitution at nucleotide position 3518. The isoleucine at codon 1173 is replaced by threonine, an amino acid with similar properties. This amino acid position is conserved. In addition, this alteration is predicted to be tolerated by in silico analysis. Since supporting evidence is limited at this time, the clinical significance of this alteration remains unclear.